The following is an entry in ClinVar:

ClinVar aggregate classification (germline): Uncertain significance (1 of 4 stars; one submission).

Submission:

Ambry Genetics
Classification: Uncertain significance. Last evaluated: 2025-11-02. Review status: criteria provided, single submitter. Criteria: Ambry Variant Classification Scheme 2023. Collection method: clinical testing. Allele origin: germline.
Comment: The p.T255A variant (also known as c.763A>G), located in coding exon 1 of the CDK12 gene, results from an A to G substitution at nucleotide position 763. The threonine at codon 255 is replaced by alanine, an amino acid with similar properties. This amino acid position is conserved. In addition, this alteration is predicted to be tolerated by in silico analysis. Based on the available evidence, the clinical significance of this variant remains unclear.

NM_016507.4(CDK12):c.763A>G (p.Thr255Ala)

Genes: CDK12 (cyclin dependent kinase 12; plus strand), LOC126862553 (CDK7 strongly-dependent group 2 enhancer GRCh37_chr17:37618166-37619365; plus strand). Cytogenetic location: 17q12.
Variant type: single nucleotide variant.
Coding change: c.763A>G on transcript NM_016507.4 (MANE Select); coding-DNA position 763, A replaced by G.
Protein change: p.Thr255Ala; replaces threonine 255 with alanine.
Molecular consequence: missense variant.
Genome position (GRCh38, 1-based): chr17:39,462,834, A>G. VCF-style: chr17-39462834-A-G. GRCh37 (hg19) VCF-style: chr17-37619087-A-G.
Other names: c.763A>G, p.Thr255Ala (NM_015083.4); short protein forms T255A.
Identifiers: ClinVar variation 4651422 (VCV004651422.1).
Genomic context (GRCh38, chr17:39,462,834, plus strand): 5'-GATAGCCCCTCGGGAGCTTCTTATGGCCAAGATTATGACCTTAGTCCCTCACGATCTCAT[A>G]CCTCGAGCAATTATGACTCCTACAAGAAAAGTCCTGGAAGTACCTCGAGAAGGCAGTCGG-3'
Protein context (NP_057591.2, residues 245-265): DYDLSPSRSH[Thr255Ala]SSNYDSYKKS